The following is an entry in ClinVar:

ClinVar aggregate classification (germline): Pathogenic/Likely pathogenic. Review status: criteria provided, multiple submitters, no conflicts (2 of 4 stars). 2 submissions from 2 submitters: Pathogenic (1); Likely pathogenic (1). Last evaluated 2025-08-18.

Conditions:
Tay-Sachs disease (TSD). Also called: HEXA DEFICIENCY; Hexosaminidase A Deficiency; HEXA Disorders; GM2 gangliosidosis, type 1; Hexosaminidase alpha-subunit deficiency (variant B); Sphingolipidosis, Tay-Sachs. Identifiers: Orphanet 845, MedGen C0039373, MONDO:0010100, OMIM 272800.

Allele frequency attached by ClinVar (database versions not stated): gnomAD exomes below 0.00001.
gnomAD v4.1: 1 of 1,612,990 alleles (0.000062%); highest among the groups gnomAD compares: South Asian, 0.0011%; no homozygotes.

Submissions (2):

Labcorp Genetics (formerly Invitae), Labcorp
Classification: Pathogenic for Tay-Sachs disease. Last evaluated: 2025-08-18. Review status: criteria provided, single submitter. Criteria: Invitae Variant Classification Sherloc (09022015). Collection method: clinical testing. Allele origin: germline.
Comment: This sequence change creates a premature translational stop signal (p.Gln144*) in the HEXA gene. It is expected to result in an absent or disrupted protein product. Loss-of-function variants in HEXA are known to be pathogenic (PMID: 1833974, 8490625). This variant is not present in population databases (gnomAD no frequency). This variant has not been reported in the literature in individuals affected with HEXA-related conditions. ClinVar contains an entry for this variant (Variation ID: 662486). Algorithms developed to predict the effect of sequence changes on RNA splicing suggest that this variant may disrupt the consensus splice site. For these reasons, this variant has been classified as Pathogenic.

Natera, Inc.
Classification: Likely pathogenic for Tay-Sachs disease. Last evaluated: 2025-06-30. Review status: criteria provided, single submitter. Criteria: Natera Variant Classification Schema (03/2026). Collection method: clinical testing. Allele origin: germline.
Comment: The c.430C>T variant in HEXA is a nonsense variant predicted to introduce a stop codon at amino acid 144. This variant is expected to result in nonsense mediated decay, truncation, or a dysfunctional protein product. This variant is rare in the general population with a frequency below the threshold expected for the associated phenotype(s). Given the available evidence, this variant is classified as Likely Pathogenic.

Literature cited by the submitters: PubMed 1833974 (cited by Labcorp Genetics (formerly Invitae), Labcorp); PubMed 8490625 (cited by Labcorp Genetics (formerly Invitae), Labcorp).

NM_000520.6(HEXA):c.430C>T (p.Gln144Ter)

Gene: HEXA (hexosaminidase subunit alpha; minus strand). Cytogenetic location: 15q23.
Variant type: single nucleotide variant.
Coding change: c.430C>T on transcript NM_000520.6 (MANE Select); coding-DNA position 430, C replaced by T.
Protein change: p.Gln144Ter; replaces glutamine 144 with a stop codon.
Molecular consequence: nonsense. On other transcripts: non-coding transcript variant (1).
Genome position (GRCh38, 1-based): chr15:72,353,720, G>A on the plus strand (C>T on the coding strand, the complement: HEXA is on the minus strand). VCF-style: chr15-72353720-G-A. GRCh37 (hg19) VCF-style: chr15-72646061-G-A.
Other names: c.463C>T, p.Gln155Ter (NM_001318825.2); c.430C>T (NM_000520.5); short protein forms Q155*, Q144*.
Identifiers: ClinVar variation 662486 (VCV000662486.7), dbSNP rs1595802191, ClinGen allele CA393065627.